The following is an entry in ClinVar:

NM_000521.4(HEXB):c.926G>A (p.Cys309Tyr)

Gene: HEXB (hexosaminidase subunit beta; plus strand). Cytogenetic location: 5q13.3.
Variant type: single nucleotide variant.
Coding change: c.926G>A on transcript NM_000521.4 (MANE Select); coding-DNA position 926, G replaced by A.
Protein change: p.Cys309Tyr; replaces cysteine 309 with tyrosine.
Molecular consequence: missense variant.
Genome position (GRCh38, 1-based): chr5:74,715,534, G>A. VCF-style: chr5-74715534-G-A. GRCh37 (hg19) VCF-style: chr5-74011359-G-A.
Other names: c.251G>A, p.Cys84Tyr (NM_001292004.2); c.926G>A (NM_000521.3); short protein forms C84Y, C309Y.
Identifiers: ClinVar variation 1423387 (VCV001423387.9), dbSNP rs1554036641, ClinGen allele CA360068254.
Genomic context (GRCh38, chr5:74,715,534, plus strand): 5'-ACTTCTTTTAAAAAGAATCTTAATATTTTCTTCTAGGTCAGAAAGACCTCCTGACTCCAT[G>A]TTACAGTAGACAAAACAAGTTGGACTCTTTTGGACCTATAAACCCTACTCTGAATACAAC-3'
Protein context (NP_000512.2, residues 299-319): GKGQKDLLTP[Cys309Tyr]YSRQNKLDSF

ClinVar aggregate classification (germline): Pathogenic/Likely pathogenic. Review status: criteria provided, multiple submitters, no conflicts (2 of 4 stars). 2 submissions from 2 submitters: Pathogenic (1); Likely pathogenic (1). Last evaluated 2024-09-03.

Conditions:
Sandhoff disease. Also called: GM2-GANGLIOSIDOSIS, TYPE II; HEXOSAMINIDASES A AND B DEFICIENCY; Beta-hexosaminidase-beta-subunit deficiency; GM2 gangliosidosis, type 2; Total hexosaminidase deficiency; Sandhoff-Jatzkewitz-Pilz disease. Identifiers: Orphanet 796, MedGen C0036161, MONDO:0010006, OMIM 268800.

Submissions (2):

GeneDx
Classification: Likely pathogenic. Last evaluated: 2024-09-03. Review status: criteria provided, single submitter. Criteria: GeneDx Variant Classification Process June 2021. Collection method: clinical testing. Allele origin: germline. Affected: yes.
Comment: Not observed at significant frequency in large population cohorts (gnomAD); In silico analysis supports that this missense variant has a deleterious effect on protein structure/function; Also known as p.(C297Y); This variant is associated with the following publications: (PMID: 7557963, 26582265)

Labcorp Genetics (formerly Invitae), Labcorp
Classification: Pathogenic for Sandhoff disease. Last evaluated: 2023-07-17. Review status: criteria provided, single submitter. Criteria: Invitae Variant Classification Sherloc (09022015). Collection method: clinical testing. Allele origin: germline.
Comment: This sequence change replaces cysteine, which is neutral and slightly polar, with tyrosine, which is neutral and polar, at codon 309 of the HEXB protein (p.Cys309Tyr). This variant is not present in population databases (gnomAD no frequency). This missense change has been observed in individual(s) with Sandhoff disease (PMID: 7557963, 26582265). In at least one individual the data is consistent with being in trans (on the opposite chromosome) from a pathogenic variant. This variant is also known as G890A (Cys297Tyr). ClinVar contains an entry for this variant (Variation ID: 1423387). Advanced modeling of protein sequence and biophysical properties (such as structural, functional, and spatial information, amino acid conservation, physicochemical variation, residue mobility, and thermodynamic stability) performed at Invitae indicates that this missense variant is expected to disrupt HEXB protein function. For these reasons, this variant has been classified as Pathogenic.

Literature cited by the submitters: PubMed 7557963 (cited by Labcorp Genetics (formerly Invitae), Labcorp); PubMed 26582265 (cited by Labcorp Genetics (formerly Invitae), Labcorp).